The following is an entry in ClinVar:

ClinVar aggregate classification (germline): Likely benign. Review status: criteria provided, single submitter (1 of 4 stars). 2 submissions from 2 submitters: Likely benign (1). 1 of the submissions does not count toward it. Last evaluated 2024-11-27.

Conditions:
HERC2-related disorder. Also called: HERC2-related condition.

Allele frequency attached by ClinVar (database versions not stated): ESP Exome Variant Server 0.04198; gnomAD exomes 0.07032; ExAC 0.10198; 1000 Genomes Project 30x 0.14569; 1000 Genomes Project 0.15435.
gnomAD v4.1: 114,293 of 1,614,080 alleles (7.1%); highest among the groups gnomAD compares: East Asian, 42%; 9,327 homozygotes.

Submissions (2):

Blueprint Genetics
Classification: Likely benign. Last evaluated: 2024-11-27. Review status: criteria provided, single submitter. Criteria: ACMG Guidelines, 2015. Collection method: clinical testing. Allele origin: germline.

PreventionGenetics, part of Exact Sciences
Classification: Benign for HERC2-related condition. Last evaluated: 2019-10-17. Review status: no assertion criteria provided. Collection method: clinical testing. Allele origin: germline. Not counted in ClinVar's aggregate classification.
Comment: This variant is classified as benign based on ACMG/AMP sequence variant interpretation guidelines (Richards et al. 2015 PMID: 25741868, with internal and published modifications).

NM_004667.6(HERC2):c.9210G>A (p.Ser3070=)

Gene: HERC2 (HECT and RLD domain containing E3 ubiquitin protein ligase 2; minus strand). Cytogenetic location: 15q13.1.
Variant type: single nucleotide variant.
Coding change: c.9210G>A on transcript NM_004667.6 (MANE Select); coding-DNA position 9210, G replaced by A.
Protein change: p.Ser3070=; no amino-acid change (serine 3070 retained).
Molecular consequence: synonymous variant.
Genome position (GRCh38, 1-based): chr15:28,177,463, C>T on the plus strand (G>A on the coding strand, the complement: HERC2 is on the minus strand). VCF-style: chr15-28177463-C-T. GRCh37 (hg19) VCF-style: chr15-28422609-C-T.
Identifiers: ClinVar variation 3059765 (VCV003059765.3), dbSNP rs61756153, ClinGen allele CA7441219.